The following is an entry in ClinVar:

ClinVar aggregate classification (germline): Pathogenic (1 of 4 stars; one submission).

Conditions:
Tuberous sclerosis 2 (TSC2). Identifiers: Orphanet 805, MedGen C1860707, MONDO:0013199, OMIM 613254.

Submission:

Labcorp Genetics (formerly Invitae), Labcorp
Classification: Pathogenic for Tuberous sclerosis 2. Last evaluated: 2024-10-23. Review status: criteria provided, single submitter. Criteria: Invitae Variant Classification Sherloc (09022015). Collection method: clinical testing. Allele origin: germline.
Comment: This sequence change creates a premature translational stop signal (p.Gly1140Profs*18) in the TSC2 gene. It is expected to result in an absent or disrupted protein product. Loss-of-function variants in TSC2 are known to be pathogenic (PMID: 10205261, 17304050). This variant is not present in population databases (gnomAD no frequency). This variant has not been reported in the literature in individuals affected with TSC2-related conditions. For these reasons, this variant has been classified as Pathogenic.

Literature cited by the submitters: PubMed 10205261; PubMed 17304050.

NM_000548.5(TSC2):c.3418_3446del (p.Gly1140fs)

Gene: TSC2 (TSC complex subunit 2; plus strand). Cytogenetic location: 16p13.3.
Variant type: Deletion.
Coding change: c.3418_3446del on transcript NM_000548.5 (MANE Select); coding-DNA positions 3418 to 3446, 29 bases deleted (GGCGCCCTGGACGTGCCGGCCTCCCAGTT).
Protein change: p.Gly1140fs; shifts the reading frame from glycine 1140.
Molecular consequence: frameshift variant. On other transcripts: non-coding transcript variant (5).
Genome position (GRCh38, 1-based): chr16:2,080,185-2,080,213, GGCGCCCTGGACGTGCCGGCCTCCCAGTT deleted; deleting any 29 consecutive bases within chr16:2,080,181-2,080,213 gives the same sequence; the c. name uses the placement nearest the transcript's 3' end. VCF-style (leftmost placement, unchanged base first): chr16-2080180-GAGTTGGCGCCCTGGACGTGCCGGCCTCCC-G. GRCh37 (hg19) VCF-style: chr16-2130181-GAGTTGGCGCCCTGGACGTGCCGGCCTCCC-G.
Other names: c.2827_2855del, p.Gly943fs (NM_001406681.1); c.2818_2846del, p.Gly940fs (NM_001406682.1, NM_001406680.1, NM_001406683.1); c.3418_3446del, p.Gly1140fs (NM_001114382.3); c.3178_3206del, p.Gly1060fs (NM_001318827.2); c.3142_3170del, p.Gly1048fs (NM_001318829.2); c.2686_2714del, p.Gly896fs (NM_001318831.2, NM_001406687.1, NM_001406688.1); c.3319_3347del, p.Gly1107fs (NM_001318832.2); c.3289_3317del, p.Gly1097fs (NM_001363528.2, NM_001370405.1, NM_021055.3); and 18 more; short protein forms G1060fs, G1077fs, G648fs, G940fs, G1047fs, G1048fs, G1059fs, G1090fs.
Identifiers: ClinVar variation 3658968 (VCV003658968.2).
Genomic context (GRCh38, chr16:2,080,180, plus strand): 5'-GCATCAGGTAAGTGGTGGTCACCAGTCCTCTGCCCTCTTCTTCAGGGGGCCATGGTCTTC[GAGTTGGCGCCCTGGACGTGCCGGCCTCCC>G]AGTTCCTGGGCAGTGCCACTTCTCCAGGACCACGGACTGCACCAGCCGCGAAACCTGAGA-3'